The following is an entry in ClinVar:

NC_000008.10:g.(?_100568668)_(100673729_?)dup

Gene: VPS13B (vacuolar protein sorting 13 homolog B; plus strand). Cytogenetic location: 8q22.2.
Variant type: Duplication.
Identifiers: ClinVar variation 2426404 (VCV002426404.4).

ClinVar aggregate classification (germline): Likely pathogenic (1 of 4 stars; one submission).

Conditions:
Cohen syndrome (COH1). Also called: Cutis verticis gyrata, retinitis pigmentosa, and sensorineural deafness; PEPPER SYNDROME. Identifiers: Orphanet 193, MedGen C0265223, MONDO:0008999, OMIM 216550.

Submission:

Labcorp Genetics (formerly Invitae), Labcorp
Classification: Likely pathogenic for Cohen syndrome. Last evaluated: 2022-09-19. Review status: criteria provided, single submitter. Criteria: Invitae Variant Classification Sherloc (09022015). Collection method: clinical testing. Allele origin: germline.
Comment: In summary, the currently available evidence indicates that the variant is pathogenic, but additional data are needed to prove that conclusively. Therefore, this variant has been classified as Likely Pathogenic. This variant has not been reported in the literature in individuals affected with VPS13B-related conditions. This variant results in a copy number gain of the genomic region encompassing exon(s) 31-35 of the VPS13B gene. While the exact position of this variant cannot be determined from the data, sub-genic copy number gains are generally in tandem (PMID: 25640679). This variant is predicted to be out-of-frame, and may result in an absent or disrupted protein product. Loss-of-function variants in VPS13B are known to be pathogenic (PMID: 15141358, 16648375, 20461111).

Literature cited by the submitters: PubMed 25640679; PubMed 15141358; PubMed 16648375; PubMed 20461111.